The following is an entry in ClinVar:

ClinVar aggregate classification (germline): Conflicting classifications of pathogenicity. Review status: criteria provided, conflicting classifications (1 of 4 stars). 2 submissions from 2 submitters: Likely pathogenic (1); Uncertain significance (1). Last evaluated 2024-11-01.

Conditions:
Epilepsy, childhood absence, susceptibility to, 5. Identifiers: Orphanet 64280, MedGen C2677087, MONDO:0012843, OMIM 612269.
Epilepsy, childhood absence, susceptibility to, 1. Also called: Epilepsy, childhood absence 1. Identifiers: Orphanet 64280, MedGen C1838604, MONDO:0020759, OMIM 600131.

Submissions (2):

GeneDx
Classification: Likely pathogenic. Last evaluated: 2024-11-01. Review status: criteria provided, single submitter. Criteria: GeneDx Variant Classification Process June 2021. Collection method: clinical testing. Allele origin: germline. Affected: yes.
Comment: Intronic variant directly or indirectly altering the +5 splice site in a gene for which loss of function is a known mechanism of disease, and splice predictors support a deleterious effect; Not observed at significant frequency in large population cohorts (gnomAD); Has not been previously published as pathogenic or benign to our knowledge

Labcorp Genetics (formerly Invitae), Labcorp
Classification: Uncertain significance for Epilepsy, childhood absence, susceptibility to, 5; Epilepsy, childhood absence, susceptibility to, 1. Last evaluated: 2020-03-17. Review status: criteria provided, single submitter. Criteria: Invitae Variant Classification Sherloc (09022015). Collection method: clinical testing. Allele origin: germline.
Comment: In summary, the available evidence is currently insufficient to determine the role of this variant in disease. Therefore, it has been classified as a Variant of Uncertain Significance. Nucleotide substitutions within the consensus splice site are a relatively common cause of aberrant splicing (PMID: 17576681, 9536098). Algorithms developed to predict the effect of sequence changes on RNA splicing suggest that this variant may disrupt the consensus splice site, but this prediction has not been confirmed by published transcriptional studies. This variant has not been reported in the literature in individuals with GABRB3-related conditions. This variant is not present in population databases (ExAC no frequency). This sequence change falls in intron 4 of the GABRB3 gene. It does not directly change the encoded amino acid sequence of the GABRB3 protein, but it affects a nucleotide within the consensus splice site of the intron.

Literature cited by the submitters: PubMed 17576681 (cited by Labcorp Genetics (formerly Invitae), Labcorp); PubMed 9536098 (cited by Labcorp Genetics (formerly Invitae), Labcorp).

NM_000814.6(GABRB3):c.461+5G>T

Gene: GABRB3 (gamma-aminobutyric acid type A receptor subunit beta3; minus strand). Cytogenetic location: 15q12.
Variant type: single nucleotide variant.
Coding change: c.461+5G>T on transcript NM_000814.6 (MANE Select); 5 bases into the intron after coding-DNA position 461, G replaced by T.
Molecular consequence: intron variant.
Genome position (GRCh38, 1-based): chr15:26,621,309, C>A on the plus strand (G>T on the coding strand, the complement: GABRB3 is on the minus strand). VCF-style: chr15-26621309-C-A. GRCh37 (hg19) VCF-style: chr15-26866456-C-A.
Other names: c.461+5G>T (NM_021912.5); c.206+5G>T (NM_001278631.2, NM_001191320.2); c.248+5G>T (NM_001191321.3).
Identifiers: ClinVar variation 1019798 (VCV001019798.7), dbSNP rs1892473626, ClinGen allele CA2165797869.